The following is an entry in ClinVar:

ClinVar aggregate classification (germline): Likely pathogenic (1 of 4 stars; one submission).

Conditions:
3 beta-Hydroxysteroid dehydrogenase deficiency. Also called: 3b-hydroxysteroid dehydrogenase deficiency; ADRENAL HYPERPLASIA, CONGENITAL, DUE TO 3-BETA-HYDROXYSTEROID DEHYDROGENASE 2 DEFICIENCY; Congenital adrenal hyperplasia due to 3-beta-hydroxysteroid dehydrogenase deficiency; 3-BETA-HSD DEFICIENCY; ADRENAL HYPERPLASIA II. Identifiers: Orphanet 90791, MedGen C0342471, MeSH C538236, MONDO:0008727, OMIM 201810. Disease mechanism: loss of function.

Submission:

Natera, Inc.
Classification: Likely pathogenic for 3 beta hydroxysteroid dehydrogenase deficiency. Last evaluated: 2024-06-05. Review status: criteria provided, single submitter. Criteria: Natera Variant Classification Schema (03/2026). Collection method: clinical testing. Allele origin: germline.
Comment: The c.133_136del variant in HSD3B2 is a frameshift variant predicted to shift the reading frame beginning at codon 45 and leads to a stop codon 10 codons downstream. This variant is expected to result in nonsense mediated decay, truncation, or a dysfunctional protein product. This variant is rare in the general population with a frequency below the threshold expected for the associated phenotype(s). Given the available evidence, this variant is classified as Likely Pathogenic.

NM_000198.4(HSD3B2):c.133_136del (p.Glu45fs)

Genes: HSD3B2 (hydroxy-delta-5-steroid dehydrogenase, 3 beta- and steroid delta-isomerase 2; plus strand), LOC109029530 (HSD3B2 5' regulatory region; plus strand). Cytogenetic location: 1p12.
Variant type: Deletion.
Coding change: c.133_136del on transcript NM_000198.4 (MANE Select); coding-DNA positions 133 to 136, 4 bases deleted (GAAT; older notation c.133_136delGAAT).
Protein change: p.Glu45fs; shifts the reading frame from glutamic acid 45.
Molecular consequence: frameshift variant.
Genome position (GRCh38, 1-based): chr1:119,415,552-119,415,555, GAAT deleted. VCF-style (leftmost placement, unchanged base first): chr1-119415551-GGAAT-G. GRCh37 (hg19) VCF-style: chr1-119958174-GGAAT-G.
Other names: c.133_136del, p.Glu45fs (NM_001166120.2); short protein forms E45fs.
Identifiers: ClinVar variation 4817894 (VCV004817894.1).